The following is an entry in ClinVar:

NM_001363118.2(SLC52A2):c.1165G>A (p.Val389Met)

Gene: SLC52A2 (solute carrier family 52 member 2; plus strand). Cytogenetic location: 8q24.3.
Variant type: single nucleotide variant.
Coding change: c.1165G>A on transcript NM_001363118.2 (MANE Select); coding-DNA position 1165, G replaced by A.
Protein change: p.Val389Met; replaces valine 389 with methionine.
Molecular consequence: missense variant. On other transcripts: non-coding transcript variant (1).
Genome position (GRCh38, 1-based): chr8:144,360,842, G>A. VCF-style: chr8-144360842-G-A. GRCh37 (hg19) VCF-style: chr8-145584502-G-A.
Other names: c.1165G>A, p.Val389Met (NM_001253815.2, NM_001253816.2, NM_001363120.2 and 2 more transcripts); c.673G>A, p.Val225Met (NM_001363122.2); c.901G>A, p.Val301Met (NM_001410949.1); short protein forms V225M, V301M, V389M.
Identifiers: ClinVar variation 1738085 (VCV001738085.2), dbSNP rs782200719, ClinGen allele CA4938423.
Genomic context (GRCh38, chr8:144,360,842, plus strand): 5'-CTGGTGCTGTGTCCCCCTCAGGTGCTGTCGTGGGTGCTGTGTCTTGGCGTGTTCTCCTAC[G>A]TGAAGGTGGCAGCCAGCTCCCTGCTGCATGGCGGGGGCCGGCCGGCATTGCTGGCAGCCG-3'
Protein context (NP_001350047.1, residues 379-399): WVLCLGVFSY[Val389Met]KVAASSLLHG

ClinVar aggregate classification (germline): Uncertain significance (1 of 4 stars; one submission).

Conditions:
Inborn genetic diseases. Identifiers: MedGen C0950123, MeSH D030342.

Allele frequency attached by ClinVar (database versions not stated): ExAC 0.00001; gnomAD exomes 0.00001.
gnomAD v4.1: 9 of 1,613,314 alleles (0.00056%); highest among the groups gnomAD compares: East Asian, 0.0022%; no homozygotes.

Submission:

Ambry Genetics
Classification: Uncertain significance for Inborn genetic diseases. Last evaluated: 2020-06-15. Review status: criteria provided, single submitter. Criteria: Ambry Variant Classification Scheme 2023. Collection method: clinical testing. Allele origin: germline.
Comment: The p.V389M variant (also known as c.1165G>A), located in coding exon 4 of the SLC52A2 gene, results from a G to A substitution at nucleotide position 1165. The valine at codon 389 is replaced by methionine, an amino acid with highly similar properties. This amino acid position is not well conserved in available vertebrate species. In addition, the in silico prediction for this alteration is inconclusive. Since supporting evidence is limited at this time, the clinical significance of this alteration remains unclear.